The following is an entry in ClinVar:

NM_014049.5(ACAD9):c.707G>T (p.Gly236Val)

Gene: ACAD9 (acyl-CoA dehydrogenase family member 9; plus strand). Cytogenetic location: 3q21.3.
Variant type: single nucleotide variant.
Coding change: c.707G>T on transcript NM_014049.5 (MANE Select); coding-DNA position 707, G replaced by T.
Protein change: p.Gly236Val; replaces glycine 236 with valine.
Molecular consequence: missense variant. On other transcripts: non-coding transcript variant (1).
Genome position (GRCh38, 1-based): chr3:128,899,360, G>T. VCF-style: chr3-128899360-G-T. GRCh37 (hg19) VCF-style: chr3-128618203-G-T.
Other names: c.338G>T, p.Gly113Val (NM_001410805.1); c.707G>T (NM_014049.4); short protein forms G113V, G236V.
Identifiers: ClinVar variation 2151795 (VCV002151795.3), dbSNP rs746494284, ClinGen allele CA2601254.

ClinVar aggregate classification (germline): Uncertain significance. Review status: criteria provided, multiple submitters, no conflicts (2 of 4 stars). 3 submissions from 3 submitters: Uncertain significance (3). Last evaluated 2025-12-04.

Conditions:
Inborn genetic diseases. Identifiers: MedGen C0950123, MeSH D030342.

gnomAD v4.1: 6 of 1,614,268 alleles (0.00037%); highest among the groups gnomAD compares: Admixed American, 0.0083%; no homozygotes.

Submissions (3):

Ambry Genetics
Classification: Uncertain significance for Inborn genetic diseases. Last evaluated: 2025-12-04. Review status: criteria provided, single submitter. Criteria: Ambry Variant Classification Scheme 2023. Collection method: clinical testing. Allele origin: germline.

Blueprint Genetics
Classification: Uncertain significance. Last evaluated: 2024-11-25. Review status: criteria provided, single submitter. Criteria: ACMG Guidelines, 2015. Collection method: clinical testing. Allele origin: germline.

Labcorp Genetics (formerly Invitae), Labcorp
Classification: Uncertain significance. Last evaluated: 2022-08-21. Review status: criteria provided, single submitter. Criteria: Invitae Variant Classification Sherloc (09022015). Collection method: clinical testing. Allele origin: germline.
Comment: This sequence change replaces glycine, which is neutral and non-polar, with valine, which is neutral and non-polar, at codon 236 of the ACAD9 protein (p.Gly236Val). This variant is present in population databases (rs746494284, gnomAD 0.01%). This variant has not been reported in the literature in individuals affected with ACAD9-related conditions. Advanced modeling of protein sequence and biophysical properties (such as structural, functional, and spatial information, amino acid conservation, physicochemical variation, residue mobility, and thermodynamic stability) performed at Invitae indicates that this missense variant is expected to disrupt ACAD9 protein function. In summary, the available evidence is currently insufficient to determine the role of this variant in disease. Therefore, it has been classified as a Variant of Uncertain Significance.